The following is an entry in ClinVar:

ClinVar aggregate classification (germline): Uncertain significance. Review status: criteria provided, multiple submitters, no conflicts (2 of 4 stars). 2 submissions from 2 submitters: Uncertain significance (2). Last evaluated 2026-07-06.

Conditions:
Hereditary diffuse gastric adenocarcinoma (HDGC). Also called: DIFFUSE GASTRIC AND LOBULAR BREAST CANCER SYNDROME. Identifiers: Orphanet 26106, MedGen C1708349, MONDO:0007648, OMIM 137215.
Hereditary cancer-predisposing syndrome. Also called: Hereditary neoplastic syndrome; Neoplastic Syndromes, Hereditary; Tumor predisposition; Hereditary Cancer Syndrome. Identifiers: Orphanet 140162, MedGen C0027672, MeSH D009386, MONDO:0015356.

Submissions (2):

Ambry Genetics
Classification: Uncertain significance for Hereditary cancer-predisposing syndrome. Last evaluated: 2026-07-06. Review status: criteria provided, single submitter. Criteria: Ambry Variant Classification Scheme 2023. Collection method: clinical testing. Allele origin: germline.
Comment: The p.M316T variant (also known as c.947T>C), located in coding exon 7 of the CDH1 gene, results from a T to C substitution at nucleotide position 947. The methionine at codon 316 is replaced by threonine, an amino acid with similar properties. This amino acid position is conserved. In addition, the in silico prediction for this alteration is inconclusive. Based on the available evidence, the clinical significance of this variant remains unclear.

Labcorp Genetics (formerly Invitae), Labcorp
Classification: Uncertain significance for Hereditary diffuse gastric adenocarcinoma. Last evaluated: 2023-05-01. Review status: criteria provided, single submitter. Criteria: Invitae Variant Classification Sherloc (09022015). Collection method: clinical testing. Allele origin: germline.
Comment: In summary, the available evidence is currently insufficient to determine the role of this variant in disease. Therefore, it has been classified as a Variant of Uncertain Significance. An algorithm developed to predict the effect of missense changes on protein structure and function (PolyPhen-2) suggests that this variant is likely to be disruptive. ClinVar contains an entry for this variant (Variation ID: 2045199). This variant has not been reported in the literature in individuals affected with CDH1-related conditions. This variant is not present in population databases (gnomAD no frequency). This sequence change replaces methionine, which is neutral and non-polar, with threonine, which is neutral and polar, at codon 316 of the CDH1 protein (p.Met316Thr).

NM_004360.5(CDH1):c.947T>C (p.Met316Thr)

Gene: CDH1 (cadherin 1; plus strand). Cytogenetic location: 16q22.1.
Variant type: single nucleotide variant.
Coding change: c.947T>C on transcript NM_004360.5 (MANE Select); coding-DNA position 947, T replaced by C.
Protein change: p.Met316Thr; replaces methionine 316 with threonine.
Molecular consequence: missense variant. On other transcripts: 5 prime UTR variant (2).
Genome position (GRCh38, 1-based): chr16:68,811,798, T>C. VCF-style: chr16-68811798-T-C. GRCh37 (hg19) VCF-style: chr16-68845701-T-C.
Other names: c.947T>C, p.Met316Thr (NM_001317184.2); c.-669T>C (NM_001317185.2); c.-873T>C (NM_001317186.2); short protein forms M316T.
Identifiers: ClinVar variation 2045199 (VCV002045199.5), dbSNP rs2152132074, ClinGen allele CA396459781.